The following is an entry in ClinVar:

ClinVar aggregate classification (germline): Uncertain significance. Review status: criteria provided, multiple submitters, no conflicts (2 of 4 stars). 4 submissions from 4 submitters: Uncertain significance (4). Last evaluated 2026-08-06.

Conditions:
Inborn genetic diseases. Identifiers: MedGen C0950123, MeSH D030342.
Fetal akinesia deformation sequence 1 (FADS1). Also called: Fetal akinesia sequence; Pena-Shokeir syndrome type I. Identifiers: Orphanet 994, MedGen C1276035, MONDO:0100101, OMIM 208150, HP:0001989.
Congenital myasthenic syndrome 10. Also called: Myasthenia, limb-girdle, familial. Identifiers: Orphanet 590, MedGen C1850792, MONDO:0009690, OMIM 254300.

Allele frequency attached by ClinVar (database versions not stated): 1000 Genomes Project 30x 0.00016; ESP Exome Variant Server 0.00016; 1000 Genomes Project 0.00020.
gnomAD v4.1: 73 of 1,607,038 alleles (0.0045%); highest among the groups gnomAD compares: South Asian, 0.018%; no homozygotes.

Submissions (4):

OLLIN Analises Genomicas, OLLIN
Classification: Uncertain significance. Last evaluated: 2026-08-06. Review status: criteria provided, single submitter. Criteria: ACMG Guidelines 2015 PMID 25741868. Collection method: clinical testing. Allele origin: germline.
Comment: This missense variant, located in exon 7 (of 7), has been reported in ClinVar (accession VCV000198625.17) and in gnomAD with an allele frequency of 0.0045%. However, to our knowledge, it has not been reported in the scientific literature. In silico analysis predicts that this variant has a tolerated effect. According to the currently available evidence, this variant has been classified as uncertain significance (PM2_P, BP4).

Ambry Genetics
Classification: Uncertain significance for Inborn genetic diseases. Last evaluated: 2025-12-15. Review status: criteria provided, single submitter. Criteria: Ambry Variant Classification Scheme 2023. Collection method: clinical testing. Allele origin: germline.

Labcorp Genetics (formerly Invitae), Labcorp
Classification: Uncertain significance for Congenital myasthenic syndrome 10; Fetal akinesia deformation sequence 1. Last evaluated: 2022-07-06. Review status: criteria provided, single submitter. Criteria: Invitae Variant Classification Sherloc (09022015). Collection method: clinical testing. Allele origin: germline.
Comment: This sequence change replaces threonine, which is neutral and polar, with methionine, which is neutral and non-polar, at codon 438 of the DOK7 protein (p.Thr438Met). This variant is present in population databases (rs376805794, gnomAD 0.02%). This variant has not been reported in the literature in individuals affected with DOK7-related conditions. ClinVar contains an entry for this variant (Variation ID: 1061597). Algorithms developed to predict the effect of missense changes on protein structure and function output the following: SIFT: "Tolerated"; PolyPhen-2: "Benign"; Align-GVGD: "Class C0". The methionine amino acid residue is found in multiple mammalian species, which suggests that this missense change does not adversely affect protein function. In summary, the available evidence is currently insufficient to determine the role of this variant in disease. Therefore, it has been classified as a Variant of Uncertain Significance.

Revvity Omics, Revvity
Classification: Uncertain significance. Last evaluated: 2019-02-13. Review status: criteria provided, single submitter. Criteria: ACMG Guidelines, 2015. Collection method: clinical testing. Allele origin: germline.

NM_173660.5(DOK7):c.1313C>T (p.Thr438Met)

Gene: DOK7 (docking protein 7; plus strand). Cytogenetic location: 4p16.3.
Variant type: single nucleotide variant.
Coding change: c.1313C>T on transcript NM_173660.5 (MANE Select); coding-DNA position 1313, C replaced by T.
Protein change: p.Thr438Met; replaces threonine 438 with methionine.
Molecular consequence: missense variant. On other transcripts: 3 prime UTR variant (1).
Genome position (GRCh38, 1-based): chr4:3,493,299, C>T. VCF-style: chr4-3493299-C-T. GRCh37 (hg19) VCF-style: chr4-3495026-C-T.
Other names: c.1313C>T (NM_173660.4); c.*534C>T (NM_001164673.2); c.383C>T, p.Thr128Met (NM_001256896.2); c.1313C>T, p.Thr438Met (NM_001301071.2); c.881C>T, p.Thr294Met (NM_001363811.2); short protein forms T128M, T294M, T438M.
Identifiers: ClinVar variation 1061597 (VCV001061597.8), dbSNP rs376805794, ClinGen allele CA2829459.